The following is an entry in ClinVar:

NM_001323289.2(CDKL5):c.2673G>A (p.Gln891=)

Gene: CDKL5 (cyclin dependent kinase like 5; plus strand). Cytogenetic location: Xp22.13.
Variant type: single nucleotide variant.
Coding change: c.2673G>A on transcript NM_001323289.2 (MANE Select); coding-DNA position 2673, G replaced by A.
Protein change: p.Gln891=; no amino-acid change (glutamine 891 retained).
Molecular consequence: synonymous variant.
Genome position (GRCh38, 1-based): chrX:18,628,547, G>A. VCF-style: chrX-18628547-G-A. GRCh37 (hg19) VCF-style: chrX-18646667-G-A.
Other names: NM_001323289.2(CDKL5):c.2673G>A; p.Gln891=; c.2673G>A, p.Gln891= (NM_001037343.2, NM_003159.3).
Identifiers: ClinVar variation 189534 (VCV000189534.19), dbSNP rs373448935, ClinGen allele CA199339.

ClinVar aggregate classification (germline): Benign/Likely benign. Review status: criteria provided, multiple submitters, no conflicts (2 of 4 stars). 6 submissions from 6 submitters: Benign (1); Likely benign (4). 1 of the submissions does not count toward it. Last evaluated 2025-06-27.

Conditions:
CDKL5 disorder. Identifiers: MedGen CN296942, MONDO:0100039.
Developmental and epileptic encephalopathy, 2 (DEE2). Also called: INFANTILE SPASM SYNDROME, X-LINKED 2; CDKL5 deficiency disorder. Identifiers: Orphanet 1934, Orphanet 3451, Orphanet 505652, MedGen C4750718, MONDO:0010396, OMIM 300672.
Angelman syndrome-like. Identifiers: MedGen CN128785.

Allele frequency attached by ClinVar (database versions not stated): ExAC 0.00007; gnomAD 0.00009 and 0.00011; gnomAD exomes 0.00010; TOPMed 0.00011; ESP Exome Variant Server 0.00019.
gnomAD v4.1: 116 of 1,210,338 alleles (0.0096%); highest among the groups gnomAD compares: Admixed American, 0.031%; no homozygotes.

Submissions (6):

Labcorp Genetics (formerly Invitae), Labcorp
Classification: Likely benign for Developmental and epileptic encephalopathy, 2; Angelman syndrome-like. Last evaluated: 2025-06-27. Review status: criteria provided, single submitter. Criteria: Invitae Variant Classification Sherloc (09022015). Collection method: clinical testing. Allele origin: germline.

Centre for Population Genomics, CPG
Classification: Benign for CDKL5 disorder. Last evaluated: 2024-07-02. Review status: criteria provided, single submitter. Criteria: McKnight et al. (Hum Mutat. 2022). Collection method: curation. Allele origin: germline. Inheritance: X-linked inheritance.
Comment: This variant has been collected from RettBASE and curated to current modified ACMG/AMP criteria. Based on the classification scheme defined by the ClinGen Rett/Angelman-like Expert Panel for Rett/AS-like Disorders Specifications to the ACMG/AMP Variant Interpretation Guidelines VCEP 3.0, this variant is classified as benign. At least the following criteria are met: The allele frequency of this variant in at least one population in gnomAD v3 is higher than the 0.03% threshold defined by the ClinGen Rett/Angelman-like Expert Panel for Rett/AS-like Disorders VCEP 3.0 (BA1).

GeneDx
Classification: Likely benign. Last evaluated: 2020-04-14. Review status: criteria provided, single submitter. Criteria: GeneDx Variant Classification Process June 2021. Collection method: clinical testing. Allele origin: germline. Affected: yes.

Eurofins Ntd Llc (ga)
Classification: Likely benign. Last evaluated: 2016-04-28. Review status: criteria provided, single submitter. Criteria: EGL Classification Definitions 2015. Collection method: clinical testing. Allele origin: germline. Observed: 1 variant allele, 1 hemizygote.

Breakthrough Genomics
Classification: Likely benign. Review status: criteria provided, single submitter. Criteria: ACMG Guidelines, 2015. Collection method: not provided. Allele origin: germline. Inheritance: X-linked inheritance. Affected: yes.

RettBASE
Classification: Benign. Last evaluated: 2014-05-15. Review status: no assertion criteria provided. Collection method: curation. Allele origin: maternal, unknown. Observed: 2 variant alleles. Not counted in ClinVar's aggregate classification.